The following is an entry in ClinVar:

NM_000260.4(MYO7A):c.799AAG[2] (p.Lys269del)

Gene: MYO7A (myosin VIIA; plus strand). Cytogenetic location: 11q13.5.
Variant type: Microsatellite.
Coding change: c.799AAG[2] on transcript NM_000260.4 (MANE Select); two copies in a row of the 3-base unit AAG starting at c.799; the reference has three copies in a row; one copy, 3 bases deleted.
Protein change: p.Lys269del; deletes lysine 269.
Molecular consequence: inframe deletion.
Genome position (GRCh38, 1-based): chr11:77,157,348-77,157,350, AAG deleted; deleting any 3 consecutive bases within chr11:77,157,340-77,157,350 gives the same sequence; the position shown is the placement nearest the transcript's 3' end. VCF-style (leftmost placement, unchanged base first): chr11-77157339-CAGA-C. GRCh37 (hg19) VCF-style: chr11-76868385-CAGA-C.
Other names: c.799AAG[2], p.Lys269del (NM_001127180.2); c.766AAG[2], p.Lys258del (NM_001369365.1); c.805_807delAAG (NM_000260.3); short protein forms K258del, K269del.
Identifiers: ClinVar variation 2137201 (VCV002137201.2), dbSNP rs781896482, ClinGen allele CA6197253.

ClinVar aggregate classification (germline): Conflicting classifications of pathogenicity. Review status: criteria provided, conflicting classifications (1 of 4 stars). 2 submissions from 2 submitters: Likely pathogenic (1); Uncertain significance (1). Last evaluated 2024-08-22.

Conditions:
Usher syndrome type 1B (USH1B). Also called: Usher syndrome type IB. Identifiers: MedGen C1848638, MONDO:0700087.

Submissions (2):

Natera, Inc.
Classification: Likely pathogenic for Usher syndrome type 1B. Last evaluated: 2024-08-22. Review status: criteria provided, single submitter. Criteria: Natera Variant Classification Schema (03/2026). Collection method: clinical testing. Allele origin: germline.
Comment: The c.805_807delAAG variant in MYO7A is an in-frame deletion predicted to remove lysine at amino acid 269 while preserving the reading frame. This variant is rare in the general population with a frequency below the threshold expected for the associated phenotype(s). This variant has been observed in one or more individuals affected with the associated recessive disease, as either homozygous or compound heterozygous with a second variant (PMID: 27957503). This variant results in a change to the protein length while preserving reading frame, which may disrupt normal protein structure or function. Computational prediction algorithms indicate this variant is likely to affect gene or protein function. Given the available evidence, this variant is classified as Likely Pathogenic.

Labcorp Genetics (formerly Invitae), Labcorp
Classification: Uncertain significance. Last evaluated: 2022-08-19. Review status: criteria provided, single submitter. Criteria: Invitae Variant Classification Sherloc (09022015). Collection method: clinical testing. Allele origin: germline.
Comment: This variant, c.805_807del, results in the deletion of 1 amino acid(s) of the MYO7A protein (p.Lys269del), but otherwise preserves the integrity of the reading frame. The frequency data for this variant in the population databases is considered unreliable, as metrics indicate poor data quality at this position in the gnomAD database. This variant has been observed in individuals with Usher syndrome (PMID: 21569298, 27957503). Experimental studies and prediction algorithms are not available or were not evaluated, and the functional significance of this variant is currently unknown. In summary, the available evidence is currently insufficient to determine the role of this variant in disease. Therefore, it has been classified as a Variant of Uncertain Significance.

Literature cited by the submitters: PubMed 27957503 (cited by Natera, Inc. and Labcorp Genetics (formerly Invitae), Labcorp); PubMed 21569298 (cited by Labcorp Genetics (formerly Invitae), Labcorp).